The following is an entry in ClinVar:

NM_020987.5(ANK3):c.10784C>T (p.Thr3595Ile)

Gene: ANK3 (ankyrin 3; minus strand). Cytogenetic location: 10q21.2.
Variant type: single nucleotide variant.
Coding change: c.10784C>T on transcript NM_020987.5 (MANE Select); coding-DNA position 10784, C replaced by T.
Protein change: p.Thr3595Ile; replaces threonine 3595 with isoleucine.
Molecular consequence: missense variant. On other transcripts: intron variant (4).
Genome position (GRCh38, 1-based): chr10:60,070,097, G>A on the plus strand (C>T on the coding strand, the complement: ANK3 is on the minus strand). VCF-style: chr10-60070097-G-A. GRCh37 (hg19) VCF-style: chr10-61829855-G-A.
Other names: c.4388-2088C>T (NM_001204403.2); c.4409-2088C>T (NM_001204404.2); c.4406-2088C>T (NM_001320874.2); c.1808-2088C>T (NM_001149.4); short protein forms T3595I.
Identifiers: ClinVar variation 4278512 (VCV004278512.1).
Genomic context (GRCh38, chr10:60,070,097, plus strand): 5'-CCACTGCGAGTCATCTCAAACATTTTTCCTTCATGAAATGGGAAGGGGTTAGGCTCACTA[G>A]TTGGGGTACTTTCATCAGTTGGCGTTCTGGCTGGCGTTGTATCAGGGGTTGTTGCTGGAG-3'
Protein context (NP_066267.2, residues 3585-3605): ARTPTDESTP[Thr3595Ile]SEPNPFPFHE

ClinVar aggregate classification (germline): Uncertain significance (1 of 4 stars; one submission).

Submission:

GeneDx
Classification: Uncertain significance. Last evaluated: 2025-04-03. Review status: criteria provided, single submitter. Criteria: GeneDx Variant Classification Process June 2021. Collection method: clinical testing. Allele origin: germline. Affected: yes.
Comment: Not observed at significant frequency in large population cohorts (gnomAD); In silico analysis supports that this missense variant has a deleterious effect on protein structure/function; Has not been previously published as pathogenic or benign to our knowledge